The following is an entry in ClinVar:

NM_001282531.3(ADNP):c.1332A>G (p.Gln444=)

Gene: ADNP (activity dependent neuroprotector homeobox; minus strand). Cytogenetic location: 20q13.13.
Variant type: single nucleotide variant.
Coding change: c.1332A>G on transcript NM_001282531.3 (MANE Select); coding-DNA position 1332, A replaced by G.
Protein change: p.Gln444=; no amino-acid change (glutamine 444 retained).
Molecular consequence: synonymous variant.
Genome position (GRCh38, 1-based): chr20:50,893,382, T>C on the plus strand (A>G on the coding strand, the complement: ADNP is on the minus strand). VCF-style: chr20-50893382-T-C. GRCh37 (hg19) VCF-style: chr20-49509919-T-C.
Other names: c.1332A>G, p.Gln444= (NM_001282532.2, NM_001347511.2, NM_015339.5 and 1 more transcripts).
Identifiers: ClinVar variation 1996645 (VCV001996645.4), dbSNP rs2515585460, ClinGen allele CA511022106.
Genomic context (GRCh38, chr20:50,893,382, plus strand): 5'-GTGCACACTATAGACATTTTCAGGAAAAAGCTCATTACAGATTGTACATATTTTCCACTT[T>C]TGAGTTGAGGAAGTGTTACCTGGGGGAGGGCCTGTGGCAGCTGCAGCAGGTTTGGAACTG-3'
Protein context (NP_001269460.1, residues 434-454): GPPPGNTSST[Gln444=]KWKICTICNE

ClinVar aggregate classification (germline): Uncertain significance (1 of 4 stars; one submission).

Allele frequency attached by ClinVar (database versions not stated): gnomAD exomes below 0.00001.
gnomAD v4.1: 2 of 1,614,236 alleles (0.00012%); highest among the groups gnomAD compares: African/African-American, 0.0027%; no homozygotes.

Submission:

Labcorp Genetics (formerly Invitae), Labcorp
Classification: Uncertain significance. Last evaluated: 2022-09-05. Review status: criteria provided, single submitter. Criteria: Invitae Variant Classification Sherloc (09022015). Collection method: clinical testing. Allele origin: germline.
Comment: In summary, the available evidence is currently insufficient to determine the role of this variant in disease. Therefore, it has been classified as a Variant of Uncertain Significance. This variant has not been reported in the literature in individuals affected with ADNP-related conditions. This variant is not present in population databases (gnomAD no frequency). This sequence change affects codon 444 of the ADNP mRNA. It is a 'silent' change, meaning that it does not change the encoded amino acid sequence of the ADNP protein.